The following is an entry in ClinVar:

ClinVar aggregate classification (germline): Uncertain significance. Review status: criteria provided, multiple submitters, no conflicts (2 of 4 stars). 2 submissions from 2 submitters: Uncertain significance (2). Last evaluated 2024-12-05.

Conditions:
Inborn genetic diseases. Identifiers: MedGen C0950123, MeSH D030342.

Allele frequency attached by ClinVar (database versions not stated): gnomAD 0.00001; ExAC 0.00002; TOPMed 0.00002.
gnomAD v4.1: 29 of 1,613,872 alleles (0.0018%); highest among the groups gnomAD compares: Non-Finnish European, 0.0023%; no homozygotes.

Submissions (2):

Ambry Genetics
Classification: Uncertain significance for Inborn genetic diseases. Last evaluated: 2024-12-05. Review status: criteria provided, single submitter. Criteria: Ambry Variant Classification Scheme 2023. Collection method: clinical testing. Allele origin: germline.

Labcorp Genetics (formerly Invitae), Labcorp
Classification: Uncertain significance. Last evaluated: 2022-02-12. Review status: criteria provided, single submitter. Criteria: Invitae Variant Classification Sherloc (09022015). Collection method: clinical testing. Allele origin: germline.
Comment: This sequence change replaces valine, which is neutral and non-polar, with leucine, which is neutral and non-polar, at codon 1720 of the MPDZ protein (p.Val1720Leu). This variant is present in population databases (rs751842122, gnomAD 0.004%). This variant has not been reported in the literature in individuals affected with MPDZ-related conditions. Algorithms developed to predict the effect of missense changes on protein structure and function (SIFT, PolyPhen-2, Align-GVGD) all suggest that this variant is likely to be tolerated. In summary, the available evidence is currently insufficient to determine the role of this variant in disease. Therefore, it has been classified as a Variant of Uncertain Significance.

NM_001378778.1(MPDZ):c.5158G>T (p.Val1720Leu)

Gene: MPDZ (multiple PDZ domain crumbs cell polarity complex component; minus strand). Cytogenetic location: 9p23.
Variant type: single nucleotide variant.
Coding change: c.5158G>T on transcript NM_001378778.1 (MANE Select); coding-DNA position 5158, G replaced by T.
Protein change: p.Val1720Leu; replaces valine 1720 with leucine.
Molecular consequence: missense variant.
Genome position (GRCh38, 1-based): chr9:13,121,812, C>A on the plus strand (G>T on the coding strand, the complement: MPDZ is on the minus strand). VCF-style: chr9-13121812-C-A. GRCh37 (hg19) VCF-style: chr9-13121811-C-A.
Other names: c.5059G>T, p.Val1687Leu (NM_001261406.2, NM_001261407.2, NM_001375416.1 and 3 more transcripts); c.5158G>T, p.Val1720Leu (NM_001330637.2, NM_003829.5); c.5257G>T, p.Val1753Leu (NM_001375413.1); c.4948G>T, p.Val1650Leu (NM_001375420.1, NM_001375421.1, NM_001375422.1 and 4 more transcripts); c.4750G>T, p.Val1584Leu (NM_001375427.1); c.5158G>T (NM_003829.3); short protein forms V1687L, V1650L, V1584L, V1753L, V1720L.
Identifiers: ClinVar variation 1934385 (VCV001934385.3), dbSNP rs751842122, ClinGen allele CA4986414.
Genomic context (GRCh38, chr9:13,121,812, plus strand): 5'-TACTTAATCCTAGGCCTTTTCCCGGCTTCTTCTGCAGCTCAATAGTGAGGGTGTCACACA[C>A]TTCCTCCTCTTTGTATGGGGCCTCATCTCTGTAGAGTGTCAGGCGCACTCTCTGTGGCGT-3'
Protein context (NP_001365707.1, residues 1710-1730): RDEAPYKEEE[Val1720Leu]CDTLTIELQK